The following is an entry in ClinVar:

ClinVar aggregate classification (germline): Benign/Likely benign. Review status: criteria provided, multiple submitters, no conflicts (2 of 4 stars). 3 submissions from 3 submitters: Benign (1); Likely benign (1). 1 of the submissions does not count toward it. Last evaluated 2024-11-07.

Conditions:
MLPH-related disorder. Also called: MLPH-related condition.

Submissions (3):

Blueprint Genetics
Classification: Likely benign. Last evaluated: 2024-11-07. Review status: criteria provided, single submitter. Criteria: ACMG Guidelines, 2015. Collection method: clinical testing. Allele origin: germline.

Labcorp Genetics (formerly Invitae), Labcorp
Classification: Benign. Last evaluated: 2022-10-17. Review status: criteria provided, single submitter. Criteria: Invitae Variant Classification Sherloc (09022015). Collection method: clinical testing. Allele origin: germline.

PreventionGenetics, part of Exact Sciences
Classification: Likely benign for MLPH-related condition. Last evaluated: 2020-07-13. Review status: no assertion criteria provided. Collection method: clinical testing. Allele origin: germline. Not counted in ClinVar's aggregate classification.
Comment: This variant is classified as likely benign based on ACMG/AMP sequence variant interpretation guidelines (Richards et al. 2015 PMID: 25741868, with internal and published modifications).

NM_024101.7(MLPH):c.1776+10del

Gene: MLPH (melanophilin; plus strand). Cytogenetic location: 2q37.3.
Variant type: Deletion.
Coding change: c.1776+10del on transcript NM_024101.7 (MANE Select); 10 bases into the intron after coding-DNA position 1776, one base deleted (T; older notation c.1776+10delT).
Molecular consequence: intron variant.
Genome position (GRCh38, 1-based): chr2:237,552,447, T deleted; the last of 4 consecutive T bases (chr2:237,552,444-237,552,447); deleting any one gives the same sequence. VCF-style (leftmost placement, unchanged base first): chr2-237552443-GT-G. GRCh37 (hg19) VCF-style: chr2-238461086-GT-G.
Other names: c.1347+10del (NM_001281474.2); c.1692+10del (NM_001042467.3); c.1416+10del (NM_001281473.2); c.1776+10delT (NM_024101.6).
Identifiers: ClinVar variation 1601700 (VCV001601700.11), dbSNP rs775270028, ClinGen allele CA2190807.
Genomic context (GRCh38, chr2:237,552,443, plus strand): 5'-GCTGACACAGAGAAACCCCAACGCGAGGAAAGGAATGGCCAGCCACACCTTCGCGGTAAA[GT>G]TTTCTCTCATTCTCTGAGGAGTTTTTAAAGTTCAGTGACCCGTCAGATTTATGTATTAAA-3'